The following is an entry in ClinVar:

ClinVar aggregate classification (germline): Uncertain significance. Review status: criteria provided, multiple submitters, no conflicts (2 of 4 stars). 3 submissions from 3 submitters: Uncertain significance (3). Last evaluated 2022-06-27.

Conditions:
Primary ciliary dyskinesia 28. Also called: CILIARY DYSKINESIA, PRIMARY, 28, WITH OR WITHOUT SITUS INVERSUS. Identifiers: Orphanet 244, MedGen C3809706, MONDO:0014216, OMIM 615505.
Primary ciliary dyskinesia. Also called: Ciliary dyskinesia. Identifiers: Orphanet 244, MedGen C0008780, MONDO:0016575, HP:0012265.

Submissions (3):

Labcorp Genetics (formerly Invitae), Labcorp
Classification: Uncertain significance for Primary ciliary dyskinesia 28. Last evaluated: 2022-06-27. Review status: criteria provided, single submitter. Criteria: Invitae Variant Classification Sherloc (09022015). Collection method: clinical testing. Allele origin: germline.
Comment: This variant, c.1283_1285dup, results in the insertion of 1 amino acid(s) of the SPAG1 protein (p.Ala428dup), but otherwise preserves the integrity of the reading frame. The frequency data for this variant in the population databases is considered unreliable, as metrics indicate poor data quality at this position in the gnomAD database. This variant has not been reported in the literature in individuals affected with SPAG1-related conditions. Experimental studies and prediction algorithms are not available or were not evaluated, and the functional significance of this variant is currently unknown. In summary, the available evidence is currently insufficient to determine the role of this variant in disease. Therefore, it has been classified as a Variant of Uncertain Significance.

Baylor Genetics
Classification: Uncertain significance for Primary ciliary dyskinesia 28. Last evaluated: 2018-09-26. Review status: criteria provided, single submitter. Criteria: ACMG Guidelines, 2015. Collection method: clinical testing. Allele origin: paternal. Affected: yes.
Comment: This variant was determined to be of uncertain significance according to ACMG Guidelines, 2015 [PMID:25741868].

Ambry Genetics
Classification: Uncertain significance for Primary ciliary dyskinesia. Last evaluated: 2016-12-15. Review status: criteria provided, single submitter. Criteria: Ambry Variant Classification Scheme 2023. Collection method: clinical testing. Allele origin: germline.
Comment: The c.1283_1285dupCGG variant (also known as p.A428dup), located in coding exon 10 of the SPAG1 gene, results from an in-frame duplication of CGG at nucleotide positions 1283 to 1285. This results in the duplication of an extra alanine residue between codons 428 and 429, located in a four alanine string. This amino acid position is not well conserved in available vertebrate species. Since supporting evidence is conflicting at this time, the clinical significance of this alteration remains unclear.

NM_003114.5(SPAG1):c.1271CGG[6] (p.Ala428dup)

Genes: SPAG1 (sperm associated antigen 1; plus strand), LOC130000832 (ATAC-STARR-seq lymphoblastoid silent region 19412; plus strand). Cytogenetic location: 8q22.2.
Variant type: Microsatellite.
Coding change: c.1271CGG[6] on transcript NM_003114.5 (MANE Select); six copies in a row of the 3-base unit CGG starting at c.1271; the reference has five copies in a row; one copy, 3 bases duplicated.
Protein change: p.Ala428dup; duplicates alanine 428.
Molecular consequence: inframe insertion.
Genome position (GRCh38, 1-based): chr8:100,213,276-100,213,278, CGG duplicated; duplicating any 3 consecutive bases within chr8:100,213,263-100,213,278 gives the same sequence; the position shown is the placement nearest the transcript's 3' end. VCF-style (leftmost placement, unchanged base first): chr8-100213262-T-TGCG. GRCh37 (hg19) VCF-style: chr8-101225490-T-TGCG.
Other names: c.1271CGG[6], p.Ala428dup (NM_001374321.1, NM_172218.3).
Identifiers: ClinVar variation 474649 (VCV000474649.9), dbSNP rs962670800, ClinGen allele CA182382936.